The following is an entry in ClinVar:

ClinVar aggregate classification (germline): Uncertain significance. Review status: criteria provided, multiple submitters, no conflicts (2 of 4 stars). 2 submissions from 2 submitters: Uncertain significance (2). Last evaluated 2024-06-18.

Conditions:
Keratoderma-ichthyosis-deafness syndrome, autosomal recessive (KDIDAR). Identifiers: MedGen C5774200, MONDO:0859278, OMIM 620009.
Cholestasis, progressive familial intrahepatic, 12 (PFIC12). Also called: CHOLESTASIS, ISOLATED LOW-GGT. Identifiers: MedGen C5774311, MONDO:0031040, OMIM 620010.
Arthrogryposis, renal dysfunction, and cholestasis 1 (ARCS1). Identifiers: Orphanet 2697, MedGen C1859722, MONDO:0008822, OMIM 208085.

Submissions (2):

Fulgent Genetics
Classification: Uncertain significance for Arthrogryposis, renal dysfunction, and cholestasis 1; Keratoderma-ichthyosis-deafness syndrome, autosomal recessive; Cholestasis, progressive familial intrahepatic, 12. Last evaluated: 2024-06-18. Review status: criteria provided, single submitter. Criteria: ACMG Guidelines, 2015. Collection method: clinical testing. Allele origin: germline.

GeneDx
Classification: Uncertain significance. Last evaluated: 2016-11-28. Review status: criteria provided, single submitter. Criteria: GeneDx Variant Classification (06012015). Collection method: clinical testing. Allele origin: germline. Affected: yes.
Comment: To our knowledge, the c.133_136delCTCAinsATCT variant in the VPS33B gene has not been reported previously as a pathogenic variant, nor as a benign variant. It was not observed in approximately 6,400 individuals of European and African American ancestry in the NHLBI Exome Sequencing Project, indicating it is not a common benign variant in these populations. The c.133_136delCTCAinsATCT variant results in the in-frame substitution of of two amino acids that are conserved among species by two aberrant amino acids, denoted p.L45_M46delinsIL. As other in-frame variants have not been reported in the VPS33B gene, we interpret c.133_136delCTCAinsATCT as a variant of uncertain significance.

NM_018668.5(VPS33B):c.133_136delinsATCT (p.Leu45_Met46delinsIleLeu)

Gene: VPS33B (VPS33B late endosome and lysosome associated; minus strand). Cytogenetic location: 15q26.1.
Variant type: Indel.
Coding change: c.133_136delinsATCT on transcript NM_018668.5 (MANE Select); coding-DNA positions 133 to 136, CTCA replaced by ATCT.
Protein change: p.Leu45_Met46delinsIleLeu.
Molecular consequence: missense variant. On other transcripts: 5 prime UTR variant (1), intron variant (1).
Genome position (GRCh38, 1-based): chr15:91,017,846-91,017,849, TGAG replaced by AGAT on the plus strand (CTCA replaced by ATCT on the coding strand, the reverse complement: VPS33B is on the minus strand). VCF-style: chr15-91017846-TGAG-AGAT. GRCh37 (hg19) VCF-style: chr15-91561076-TGAG-AGAT.
Other names: c.-79_-76delinsATCT (NM_001289149.1); c.97-825_97-822delinsATCT (NM_001289148.1).
Identifiers: ClinVar variation 373696 (VCV000373696.2), dbSNP rs1057518553, ClinGen allele CA16043036.